The following is an entry in ClinVar:

ClinVar aggregate classification (germline): Uncertain significance (1 of 4 stars; one submission).

Conditions:
Inborn genetic diseases. Identifiers: MedGen C0950123, MeSH D030342.

gnomAD v4.1: 1 of 1,606,616 alleles (0.000062%); highest among the groups gnomAD compares: East Asian, 0.0022%; no homozygotes.

Submission:

Ambry Genetics
Classification: Uncertain significance for Inborn genetic diseases. Last evaluated: 2026-07-02. Review status: criteria provided, single submitter. Criteria: Ambry Variant Classification Scheme 2023. Collection method: clinical testing. Allele origin: germline.
Comment: The p.M330T variant (also known as c.989T>C), located in coding exon 5 of the ETV6 gene, results from a T to C substitution at nucleotide position 989. The methionine at codon 330 is replaced by threonine, an amino acid with similar properties. This amino acid position is conserved. In addition, this alteration is predicted to be tolerated by in silico analysis. Based on the available evidence, the clinical significance of this variant remains unclear.

NM_001987.5(ETV6):c.989T>C (p.Met330Thr)

Gene: ETV6 (ETS variant transcription factor 6; plus strand). Cytogenetic location: 12p13.2.
Variant type: single nucleotide variant.
Coding change: c.989T>C on transcript NM_001987.5 (MANE Select); coding-DNA position 989, T replaced by C.
Protein change: p.Met330Thr; replaces methionine 330 with threonine.
Molecular consequence: missense variant.
Genome position (GRCh38, 1-based): chr12:11,869,949, T>C. VCF-style: chr12-11869949-T-C. GRCh37 (hg19) VCF-style: chr12-12022883-T-C.
Other names: c.986T>C, p.Met329Thr (NM_001413913.1); c.962T>C, p.Met321Thr (NM_001413914.1); c.725T>C, p.Met242Thr (NM_001413915.1); c.989T>C, p.Met330Thr (NM_001413916.1, NM_001413917.1); short protein forms M329T, M330T, M242T, M321T.
Identifiers: ClinVar variation 5036161 (VCV005036161.1).